The following is an entry in ClinVar:

NM_000135.4(FANCA):c.3828+2dup

Genes: FANCA (FA complementation group A; minus strand), ZNF276 (zinc finger protein 276; plus strand), LOC132090445 (Neanderthal introgressed variant-containing enhancer experimental_46704; plus strand). Cytogenetic location: 16q24.3.
Variant type: Duplication.
Coding change: c.3828+2dup on transcript NM_000135.4 (MANE Select); the canonical splice donor site of the intron after coding-DNA position 3828, one base duplicated (T; older notation c.3828+2dupT).
Molecular consequence: splice donor variant. On other transcripts: 3 prime UTR variant (2), non-coding transcript variant (4).
Genome position (GRCh38, 1-based): chr16:89,740,802, A duplicated on the plus strand (T on the coding strand, the reverse complement: FANCA is on the minus strand). VCF-style (leftmost placement, unchanged base first): chr16-89740801-T-TA. GRCh37 (hg19) VCF-style: chr16-89807209-T-TA.
Other names: c.3828+2dupT (NM_000135.2); c.*2556dup (NM_001113525.2, NM_152287.4); c.3828+2dup (NM_001286167.3).
Identifiers: ClinVar variation 974270 (VCV000974270.2), dbSNP rs2062114186, ClinGen allele CA1139664953.

ClinVar aggregate classification (germline): Uncertain significance. Review status: criteria provided, single submitter (1 of 4 stars). 2 submissions from 2 submitters: Uncertain significance (1). 1 of the submissions does not count toward it. Last evaluated 2023-02-16.

Conditions:
FANCA-related disorder. Also called: FANCA-related condition.
Fanconi anemia complementation group A (FANCA). Also called: Fanconi anemia, group A; FANCA-Related Fanconi Anemia. Identifiers: Orphanet 84, MedGen C3469521, MONDO:0009215, OMIM 227650.

Allele frequency attached by ClinVar (database versions not stated): gnomAD exomes below 0.00001.

Submissions (2):

PreventionGenetics, part of Exact Sciences
Classification: Uncertain significance for FANCA-related condition. Last evaluated: 2023-02-16. Review status: criteria provided, single submitter. Criteria: ACMG Guidelines, 2015. Collection method: clinical testing. Allele origin: germline.
Comment: The FANCA c.3828+2dupT variant is predicted to result in an intronic duplication. This variant is predicted to interfere with splicing at a consensus splice site in FANCA based on splicing prediction programs (Alamut Visual Plus v.1.6.1). However, these predictions are not equivalent to functional evidence. This variant was reported in the compound heterozygous state in a patient with Fanconi anemia (Kimble et al. 2018. PubMed ID: 29098742). This variant has not been reported in a large population database, indicating this variant is rare. Of note, other variants impacting the c.3828 consensus splice site (c.3828+1G>C and c.3828+1G>T) have also been documented in patients with Fanconi anemia (Kimble et al. 2018. PubMed ID: 29098742; Castella et al. 2011. PubMed ID: 21273304). Although we suspect that the c.3828+2dupT variant may be pathogenic, at this time, the clinical significance of this variant is uncertain due to the absence of conclusive functional and genetic evidence.

Leiden Open Variation Database
Classification: Pathogenic for Fanconi anemia complementation group A. Last evaluated: 2020-02-28. Review status: no assertion criteria provided. Collection method: curation. Allele origin: germline. Affected: yes. Not counted in ClinVar's aggregate classification.
Comment: Curator: Arleen D. Auerbach. Submitter to LOVD: Arleen D. Auerbach.